The following is an entry in ClinVar:

ClinVar aggregate classification (germline): Uncertain significance (1 of 4 stars; one submission).

Conditions:
Developmental and epileptic encephalopathy, 42 (DEE42A). Also called: Epileptic encephalopathy, early infantile, 42; DEVELOPMENTAL AND EPILEPTIC ENCEPHALOPATHY 42A; EPILEPTIC ENCEPHALOPATHY, EARLY INFANTILE, 42A. Identifiers: MedGen C4310716, MONDO:0014917, OMIM 617106.

Submission:

3billion
Classification: Uncertain significance for Developmental and epileptic encephalopathy, 42. Last evaluated: 2025-05-22. Review status: criteria provided, single submitter. Criteria: ACMG Guidelines, 2015. Collection method: clinical testing. Allele origin: germline. Affected: yes.
Comment: The variant is not observed in the gnomAD v4.1.0 dataset. Predicted Consequence/Location: Missense variant In silico tool predictions suggest damaging effect of the variant on gene or gene product [REVEL: 0.93 (>=0.6, sensitivity 0.68 and specificity 0.92); 3Cnet: 0.99 (> 0.75, sensitivity 0.96 and precision 0.92)]. Therefore, this variant is classified as VUS according to the recommendation of ACMG/AMP guideline.

NM_001127222.2(CACNA1A):c.707C>A (p.Ala236Glu)

Gene: CACNA1A (calcium voltage-gated channel subunit alpha1 A; minus strand). Cytogenetic location: 19p13.13.
Variant type: single nucleotide variant.
Coding change: c.707C>A on transcript NM_001127222.2 (MANE Select); coding-DNA position 707, C replaced by A.
Protein change: p.Ala236Glu; replaces alanine 236 with glutamic acid.
Molecular consequence: missense variant.
Genome position (GRCh38, 1-based): chr19:13,365,394, G>T on the plus strand (C>A on the coding strand, the complement: CACNA1A is on the minus strand). VCF-style: chr19-13365394-G-T. GRCh37 (hg19) VCF-style: chr19-13476208-G-T.
Other names: c.707C>A, p.Ala236Glu (NM_000068.4, NM_001127221.2, NM_001174080.2 and 1 more transcripts); short protein forms A236E.
Identifiers: ClinVar variation 4293899 (VCV004293899.2).
Genomic context (GRCh38, chr19:13,365,394, plus strand): 5'-CAGGTGGTATGAAATTTTCCCATATAAAATTCTAACCCTATGATTGCAAAAATAAGGATT[G>T]CAAAAAATAGGAGGAGGCCGATCTGCAGCAAAGGGATCATCGCCTTCATGATCGACTTCA-3'
Protein context (NP_001120694.1, residues 226-246): LLQIGLLLFF[Ala236Glu]ILIFAIIGLE